The following is an entry in ClinVar:

NM_005356.5(LCK):c.253G>C (p.Gly85Arg)

Gene: LCK (LCK proto-oncogene, Src family tyrosine kinase; plus strand). Cytogenetic location: 1p35.2.
Variant type: single nucleotide variant.
Coding change: c.253G>C on transcript NM_005356.5 (MANE Select); coding-DNA position 253, G replaced by C.
Protein change: p.Gly85Arg; replaces glycine 85 with arginine.
Molecular consequence: missense variant.
Genome position (GRCh38, 1-based): chr1:32,275,058, G>C. VCF-style: chr1-32275058-G-C. GRCh37 (hg19) VCF-style: chr1-32740659-G-C.
Other names: c.253G>C, p.Gly85Arg (NM_001042771.3, NM_001330468.2); short protein forms G85R.
Identifiers: ClinVar variation 1434718 (VCV001434718.5), dbSNP rs1038465388, ClinGen allele CA20231012.

ClinVar aggregate classification (germline): Uncertain significance (1 of 4 stars; one submission).

Conditions:
Severe combined immunodeficiency due to LCK deficiency. Also called: Immunodeficiency 22. Identifiers: Orphanet 280142, MedGen C4014233, MONDO:0014334, OMIM 615758.

Allele frequency attached by ClinVar (database versions not stated): gnomAD 0.00001; gnomAD exomes 0.00001; TOPMed 0.00002.
gnomAD v4.1: 7 of 1,613,654 alleles (0.00043%); highest among the groups gnomAD compares: Admixed American, 0.005%; no homozygotes.

Submission:

Labcorp Genetics (formerly Invitae), Labcorp
Classification: Uncertain significance for Severe combined immunodeficiency due to LCK deficiency. Last evaluated: 2022-10-24. Review status: criteria provided, single submitter. Criteria: Invitae Variant Classification Sherloc (09022015). Collection method: clinical testing. Allele origin: germline.
Comment: This sequence change replaces glycine, which is neutral and non-polar, with arginine, which is basic and polar, at codon 85 of the LCK protein (p.Gly85Arg). This variant is present in population databases (no rsID available, gnomAD 0.006%). This variant has not been reported in the literature in individuals affected with LCK-related conditions. Algorithms developed to predict the effect of missense changes on protein structure and function are either unavailable or do not agree on the potential impact of this missense change (SIFT: "Deleterious"; PolyPhen-2: "Probably Damaging"; Align-GVGD: "Class C15"). In summary, the available evidence is currently insufficient to determine the role of this variant in disease. Therefore, it has been classified as a Variant of Uncertain Significance.